The following is an entry in ClinVar:

ClinVar aggregate classification (germline): Uncertain significance (1 of 4 stars; one submission).

Allele frequency attached by ClinVar (database versions not stated): ExAC 0.00004; gnomAD exomes 0.00004.
gnomAD v4.1: 24 of 1,564,746 alleles (0.0015%); highest among the groups gnomAD compares: Middle Eastern, 0.017%; no homozygotes.

Submission:

Labcorp Genetics (formerly Invitae), Labcorp
Classification: Uncertain significance. Last evaluated: 2021-08-31. Review status: criteria provided, single submitter. Criteria: Invitae Variant Classification Sherloc (09022015). Collection method: clinical testing. Allele origin: germline.
Comment: This sequence change replaces arginine with glutamine at codon 3974 of the FRAS1 protein (p.Arg3974Gln). The arginine residue is highly conserved and there is a small physicochemical difference between arginine and glutamine. This variant is present in population databases (rs766880913, ExAC 0.01%). This variant has not been reported in the literature in individuals affected with FRAS1-related conditions. Algorithms developed to predict the effect of missense changes on protein structure and function (SIFT, PolyPhen-2, Align-GVGD) all suggest that this variant is likely to be disruptive. Algorithms developed to predict the effect of sequence changes on RNA splicing suggest that this variant may create or strengthen a splice site. In summary, the available evidence is currently insufficient to determine the role of this variant in disease. Therefore, it has been classified as a Variant of Uncertain Significance.

NM_025074.7(FRAS1):c.11921G>A (p.Arg3974Gln)

Gene: FRAS1 (Fraser extracellular matrix complex subunit 1; plus strand). Cytogenetic location: 4q21.21.
Variant type: single nucleotide variant.
Coding change: c.11921G>A on transcript NM_025074.7 (MANE Select); coding-DNA position 11921, G replaced by A.
Protein change: p.Arg3974Gln; replaces arginine 3974 with glutamine.
Molecular consequence: missense variant.
Genome position (GRCh38, 1-based): chr4:78,541,006, G>A. VCF-style: chr4-78541006-G-A. GRCh37 (hg19) VCF-style: chr4-79462160-G-A.
Other names: short protein forms R3974Q.
Identifiers: ClinVar variation 1393740 (VCV001393740.5), dbSNP rs766880913, ClinGen allele CA2979334.